The following is an entry in ClinVar:

ClinVar aggregate classification (germline): Conflicting classifications of pathogenicity. Review status: criteria provided, conflicting classifications (1 of 4 stars). 9 submissions from 8 submitters: Uncertain significance (1); Likely benign (7). 1 of the submissions does not count toward it. Last evaluated 2026-01-28.

Conditions:
Corneal dystrophy. Identifiers: Orphanet 34533, MedGen C0010036, MONDO:0018102, HP:0001131.
SLC4A11-related disorder. Also called: SLC4A11-related condition.
Congenital hereditary endothelial dystrophy of cornea. Also called: CORNEAL DYSTROPHY, CONGENITAL HEREDITARY ENDOTHELIAL; Corneal endothelial dystrophy, autosomal recessive; Congenital hereditary endothelial dystrophy type II; Congenital hereditary endothelial dystrophy of the cornea; Maumenee corneal dystrophy. Identifiers: Orphanet 293603, MedGen C1857569, MONDO:0009019, OMIM 217700.
Corneal dystrophy-perceptive deafness syndrome (CDPD). Also called: CORNEAL DYSTROPHY AND SENSORINEURAL DEAFNESS; HARBOYAN SYNDROME. Identifiers: Orphanet 1490, MedGen C1857572, MONDO:0009015, OMIM 217400.

Allele frequency attached by ClinVar (database versions not stated): ExAC 0.00096; gnomAD exomes 0.00112 and 0.00193; TOPMed 0.00123; gnomAD 0.00133 and 0.00140; ESP Exome Variant Server 0.00215.

Submissions (9):

Labcorp Genetics (formerly Invitae), Labcorp
Classification: Likely benign. Last evaluated: 2026-01-28. Review status: criteria provided, single submitter. Criteria: Invitae Variant Classification Sherloc (09022015). Collection method: clinical testing. Allele origin: germline.

Women's Health and Genetics/Laboratory Corporation of America, LabCorp
Classification: Likely benign. Last evaluated: 2025-10-15. Review status: criteria provided, single submitter. Criteria: LabCorp Variant Classification Summary - May 2015. Collection method: clinical testing. Allele origin: germline.
Comment: Variant summary: SLC4A11 c.1039C>T (p.Arg347Trp) results in a non-conservative amino acid change in the encoded protein sequence. Algorithms developed to predict the effect of missense changes on protein structure and function are either unavailable or do not agree on the potential impact of this missense change. The variant allele was found at a frequency of 0.0011 in 251428 control chromosomes, predominantly at a frequency of 0.0019 within the Non-Finnish European subpopulation in the gnomAD database. The observed variant frequency within Non-Finnish European control individuals in the gnomAD database exceeds the estimated maximal expected allele frequency for disease-causing variants in SLC4A11. To our knowledge, no occurrence of c.1039C>T in individuals affected with SLC4A11-related conditions and no experimental evidence demonstrating its impact on protein function have been reported. ClinVar contains an entry for this variant (Variation ID: 338250). Based on the evidence outlined above, the variant was classified as likely benign.

PreventionGenetics, part of Exact Sciences
Classification: Likely benign for SLC4A11-related condition. Last evaluated: 2025-03-14. Review status: criteria provided, single submitter. Criteria: ACMG Guidelines, 2015. Collection method: clinical testing. Allele origin: germline.
Comment: This variant is classified as likely benign based on ACMG/AMP sequence variant interpretation guidelines (Richards et al. 2015 PMID: 25741868, with internal and published modifications).

CeGaT Center for Human Genetics Tuebingen
Classification: Likely benign. Last evaluated: 2025-01-01. Review status: criteria provided, single submitter. Criteria: CeGaT Center For Human Genetics Tuebingen Variant Classification Criteria Version 2. Collection method: clinical testing. Allele origin: germline. Affected: yes. Observed: 1 variant allele.
Comment: SLC4A11: PM5, BP4, BS2

Blueprint Genetics
Classification: Likely benign. Last evaluated: 2024-11-26. Review status: criteria provided, single submitter. Criteria: ACMG Guidelines, 2015. Collection method: clinical testing. Allele origin: germline.

Genome-Nilou Lab
Classification: Likely benign for Corneal dystrophy-perceptive deafness syndrome. Last evaluated: 2021-07-22. Review status: criteria provided, single submitter. Criteria: ACMG Guidelines, 2015. Collection method: clinical testing. Allele origin: germline. Affected: no.

Genome-Nilou Lab
Classification: Likely benign for Congenital hereditary endothelial dystrophy of cornea. Last evaluated: 2021-07-22. Review status: criteria provided, single submitter. Criteria: ACMG Guidelines, 2015. Collection method: clinical testing. Allele origin: germline. Affected: no.

Illumina Laboratory Services, Illumina
Classification: Uncertain significance for Corneal dystrophy. Last evaluated: 2018-01-12. Review status: criteria provided, single submitter. Criteria: ICSL Variant Classification Criteria 13 December 2019. Collection method: clinical testing. Allele origin: germline.

Natera, Inc.
Classification: Likely benign for Harboyan syndrome. Last evaluated: 2019-12-05. Review status: no assertion criteria provided. Collection method: clinical testing. Allele origin: germline. Not counted in ClinVar's aggregate classification.

NM_001174089.2(SLC4A11):c.991C>T (p.Arg331Trp)

Gene: SLC4A11 (solute carrier family 4 member 11; minus strand). Cytogenetic location: 20p13.
Variant type: single nucleotide variant.
Coding change: c.991C>T on transcript NM_001174089.2 (MANE Select); coding-DNA position 991, C replaced by T.
Protein change: p.Arg331Trp; replaces arginine 331 with tryptophan.
Molecular consequence: missense variant. On other transcripts: non-coding transcript variant (1).
Genome position (GRCh38, 1-based): chr20:3,231,200, G>A on the plus strand (C>T on the coding strand, the complement: SLC4A11 is on the minus strand). VCF-style: chr20-3231200-G-A. GRCh37 (hg19) VCF-style: chr20-3211846-G-A.
Other names: c.1120C>T, p.Arg374Trp (NM_001174090.2); c.991C>T, p.Arg331Trp (NM_001363745.2); c.1039C>T, p.Arg347Trp (NM_032034.4); short protein forms R331W, R347W, R374W.
Identifiers: ClinVar variation 338250 (VCV000338250.34), dbSNP rs138137682, ClinGen allele CA9742043.